The following is an entry in ClinVar:

NM_000179.3(MSH6):c.3233T>C (p.Val1078Ala)

Gene: MSH6 (mutS homolog 6; plus strand). Cytogenetic location: 2p16.3.
Variant type: single nucleotide variant.
Coding change: c.3233T>C on transcript NM_000179.3 (MANE Select); coding-DNA position 3233, T replaced by C.
Protein change: p.Val1078Ala; replaces valine 1078 with alanine.
Molecular consequence: missense variant.
Genome position (GRCh38, 1-based): chr2:47,803,480, T>C. VCF-style: chr2-47803480-T-C. GRCh37 (hg19) VCF-style: chr2-48030619-T-C.
Other names: c.2843T>C, p.Val948Ala (NM_001281492.2); c.2327T>C, p.Val776Ala (NM_001281493.2, NM_001281494.2); short protein forms V1078A, V776A, V948A.
Identifiers: ClinVar variation 134855 (VCV000134855.45), dbSNP rs376452612, ClinGen allele CA012103.

ClinVar aggregate classification (germline): Conflicting classifications of pathogenicity. Review status: criteria provided, conflicting classifications (1 of 4 stars). 15 submissions from 15 submitters: Uncertain significance (9); Benign (1); Likely benign (3). 2 of the submissions do not count toward it. Last evaluated 2026-01-13.

Conditions:
MSH6-related disorder. Also called: MSH6-related condition; MSH6-Related disorders.
Hereditary nonpolyposis colorectal neoplasms. Identifiers: MedGen C0009405, MeSH D003123.
Hereditary cancer-predisposing syndrome. Also called: Neoplastic Syndromes, Hereditary; Tumor predisposition; Hereditary Cancer Syndrome; Hereditary neoplastic syndrome. Identifiers: Orphanet 140162, MedGen C0027672, MeSH D009386, MONDO:0015356.
Lynch syndrome. Identifiers: Orphanet 144, MedGen C4552100, MONDO:0005835. Disease mechanism: loss of function.
Lynch syndrome 5 (LYNCH5). Also called: Hereditary non-polyposis colorectal cancer, type 5; Colorectal cancer, hereditary nonpolyposis, type 5. Identifiers: Orphanet 144, MedGen C1833477, MONDO:0013710, OMIM 614350. Disease mechanism: loss of function.
Endometrial carcinoma. Also called: Endometrial carcinoma, somatic. Identifiers: MedGen C0476089, MONDO:0002447, OMIM 608089, HP:0012114.

Allele frequency attached by ClinVar (database versions not stated): gnomAD 0.00001; gnomAD exomes 0.00002 and 0.00007; TOPMed 0.00002; ExAC 0.00003; ESP Exome Variant Server 0.00015.
gnomAD v4.1: 100 of 1,614,054 alleles (0.0062%); highest among the groups gnomAD compares: Non-Finnish European, 0.0083%; no homozygotes.

Submissions (15):

Labcorp Genetics (formerly Invitae), Labcorp
Classification: Benign for Hereditary nonpolyposis colorectal neoplasms. Last evaluated: 2026-01-13. Review status: criteria provided, single submitter. Criteria: Invitae Variant Classification Sherloc (09022015). Collection method: clinical testing. Allele origin: germline.

PreventionGenetics, part of Exact Sciences
Classification: Likely benign for MSH6-related condition. Last evaluated: 2026-01-01. Review status: criteria provided, single submitter. Criteria: ACMG Guidelines, 2015. Collection method: clinical testing. Allele origin: germline.
Comment: This variant is classified as likely benign based on ACMG/AMP sequence variant interpretation guidelines (Richards et al. 2015 PMID: 25741868, with internal and published modifications).

Color Diagnostics, LLC DBA Color Health
Classification: Uncertain significance for Hereditary cancer-predisposing syndrome. Last evaluated: 2025-12-10. Review status: criteria provided, single submitter. Criteria: ACMG Guidelines, 2015. Collection method: clinical testing. Allele origin: germline.
Comment: This missense variant replaces valine with alanine at codon 1078 of the MSH6 protein. Computational prediction suggests that this variant may not impact protein structure and function. To our knowledge, functional studies have not been reported for this variant. This variant has been reported in an individual affected with pancreatic cancer (PMID: 28767289), and an individual affected with colorectal but with microsatellite stability and detected MSH6 protein by immunohistochemistry (PMID: 29596542). This variant has been identified in 100/1614054 chromosomes in the general population by the Genome Aggregation Database (gnomAD). The available evidence is insufficient to determine the role of this variant in disease conclusively. Therefore, this variant is classified as a Variant of Uncertain Significance.

Myriad Genetics, Inc.
Classification: Likely benign for Lynch syndrome 5. Last evaluated: 2025-01-03. Review status: criteria provided, single submitter. Criteria: Myriad Autosomal Dominant, Autosomal Recessive and X-Linked Classification Criteria (2023). Collection method: clinical testing. Allele origin: unknown.
Comment: This variant is considered likely benign. This variant is strongly associated with less severe personal and family histories of cancer, typical for individuals without pathogenic variants in this gene [PMID: 27363726].

GeneDx
Classification: Uncertain significance. Last evaluated: 2024-12-03. Review status: criteria provided, single submitter. Criteria: GeneDx Variant Classification Process June 2021. Collection method: clinical testing. Allele origin: germline. Affected: yes.
Comment: Not observed at significant frequency in large population cohorts (gnomAD); In silico analysis indicates that this missense variant does not alter protein structure/function; Observed in individuals with pancreatic or breast cancer (PMID: 32659497, 33471991, 28767289); This variant is associated with the following publications: (PMID: 24728327, 23621914, 28767289, 32659497, 17531815, 21120944, 33471991)

Ambry Genetics
Classification: Likely benign for Hereditary cancer-predisposing syndrome. Last evaluated: 2024-10-11. Review status: criteria provided, single submitter. Criteria: Ambry Variant Classification Scheme 2023. Collection method: clinical testing. Allele origin: germline.

Quest Diagnostics Nichols Institute San Juan Capistrano
Classification: Uncertain significance. Last evaluated: 2024-09-02. Review status: criteria provided, single submitter. Criteria: Quest Diagnostics criteria. Collection method: clinical testing. Allele origin: unknown.
Comment: The MSH6 c.3233T>C (p.Val1078Ala) variant has been reported in the published literature in an individual with rectal cancer whose tumor was MSI-stable and retained MSH6 protein expression by immunohistochemistry (PMID: 29596542 (2018)). This variant has also been reported in individuals with pancreatic cancer (PMIDs: 32659497 (2020), 28767289 (2017)) and breast cancer (PMID: 33471991 (2021), see also LOVD). The frequency of this variant in the general population, 0.000035 (4/113696 chromosomes (Genome Aggregation Database)), is uninformative in the assessment of its pathogenicity. Analysis of this variant using bioinformatics tools for the prediction of the effect of amino acid changes on protein structure and function yielded predictions that this variant is benign. Based on the available information, we are unable to determine the clinical significance of this variant.

Baylor Genetics
Classification: Uncertain significance for Endometrial carcinoma. Last evaluated: 2023-09-29. Review status: criteria provided, single submitter. Criteria: ACMG Guidelines, 2015. Collection method: clinical testing. Allele origin: unknown.

Genetic Services Laboratory, University of Chicago
Classification: Uncertain significance. Last evaluated: 2023-07-10. Review status: criteria provided, single submitter. Criteria: ACMG Guidelines, 2015. Collection method: clinical testing. Allele origin: germline. Affected: no.
Comment: DNA sequence analysis of the MSH6 gene demonstrated a sequence change, c.3233T>C, in exon 5 that results in an amino acid change, p.Val1078Ala. This sequence change has previously been described in one individual with pancreatic adenocarcinoma (PMID: 28767289). This sequence change has been described in the gnomAD database with a frequency of 0.002% in the overall population (dbSNP rs376452612). The p.Val1078Ala change affects a moderately conserved amino acid residue located in a domain of the MSH6 protein that is not known to be functional. The p.Val1078Ala substitution appears to be benign using several in-silico pathogenicity prediction tools (SIFT, PolyPhen2, Align GVGD, REVEL). Due to insufficient evidence and the lack of functional studies, the clinical significance of the p.Val1078Ala change remains unknown at this time.

All of Us Research Program, National Institutes of Health
Classification: Uncertain significance for Lynch syndrome. Last evaluated: 2023-05-30. Review status: criteria provided, single submitter. Criteria: ACMG Guidelines, 2015. Collection method: clinical testing. Allele origin: germline. Inheritance: Autosomal dominant inheritance. Observed: 4 variant alleles, 4 heterozygotes.
Comment: This missense variant replaces valine with alanine at codon 1078 of the MSH6 protein. Computational prediction suggests that this variant may not impact protein structure and function (internally defined REVEL score threshold <= 0.5, PMID: 27666373). To our knowledge, functional studies have not been reported for this variant. This variant has been reported in an individual affected with pancreatic cancer (PMID: 28767289), and an individual affected with colorectal but with microsatellite stability and detected MSH6 protein by immunohistochemistry (PMID: 29596542). This variant has also been identified in 5/251376 chromosomes in the general population by the Genome Aggregation Database (gnomAD). The available evidence is insufficient to determine the role of this variant in disease conclusively. Therefore, this variant is classified as a Variant of Uncertain Significance.

This study involves interpretation of variants in research participants for the purpose of population health screening. Participant phenotype was not available at the time of variant classification. Additional details can be found in publication PMID: 35346344, PMCID: PMC8962531

Women's Health and Genetics/Laboratory Corporation of America, LabCorp
Classification: Uncertain significance. Last evaluated: 2023-05-15. Review status: criteria provided, single submitter. Criteria: LabCorp Variant Classification Summary - May 2015. Collection method: clinical testing. Allele origin: germline.
Comment: Variant summary: MSH6 c.3233T>C (p.Val1078Ala) results in a non-conservative amino acid change located in the DNA mismatch repair protein MutS, core domain (IPR007696) of the encoded protein sequence. Four of five in-silico tools predict a benign effect of the variant on protein function. The variant allele was found at a frequency of 2.8e-05 in 252738 control chromosomes. The available data on variant occurrences in the general population are insufficient to allow any conclusion about variant significance. c.3233T>C has been reported in the literature as a VUS in settings of multigene panel testing in an individual affected with Pancreatic Ductal Adenocarcinoma (example, Shindo_2017). These report(s) do not provide unequivocal conclusions about association of the variant with Hereditary Nonpolyposis Colorectal Cancer/Lynch syndrome. To our knowledge, no experimental evidence demonstrating an impact on protein function has been reported. The following publications have been ascertained in the context of this evaluation (PMID: 23621914, 24728327, 28767289). Eight clinical diagnostic laboratories have submitted clinical-significance assessments for this variant to ClinVar after 2014 without evidence for independent evaluation (VUS, n=7; Benign, n=1). Based on the evidence outlined above, the variant was classified as uncertain significance.

Sema4
Classification: Uncertain significance for Hereditary cancer-predisposing syndrome. Last evaluated: 2021-04-26. Review status: criteria provided, single submitter. Criteria: Sema4 Curation Guidelines. Collection method: curation. Allele origin: germline.
Comment: The MSH6 c.3233T>C (p.V1078A) variant has been reported in at least one individual with pancreatic adenocarcinoma (PMID: 28767289, 32659497). This variant was observed in 1/16256 chromosomes in the African/African American population according to the Genome Aggregation Database (PMID: 32461654). The variant has been reported in ClinVar (Variation ID 134855). Functional studies have not been performed, and in silico predictions of the variant's effect on protein function are inconclusive. The evidence is insufficient to meet ACMG/AMP criteria for classifying the variant as benign or pathogenic. Thus, the clinical significance of this variant is currently uncertain.

ARUP Laboratories, Molecular Genetics and Genomics, ARUP Laboratories
Classification: Uncertain significance. Last evaluated: 2020-03-09. Review status: criteria provided, single submitter. Criteria: ARUP Molecular Germline Variant Investigation Process. Collection method: clinical testing. Allele origin: germline.
Comment: The MSH6 c.3233T>C; p.Val1078Ala variant (rs376452612) is reported in the literature in an individual with pancreatic cancer and a family history of prostate cancer (Shindo 2017). This variant is also reported in the ClinVar database (Variation ID: 134855). It is found in the general population with a low overall allele frequency of 0.002% (5/251376 alleles) in the Genome Aggregation Database. The valine at codon 1078 is weakly conserved, and computational analyses (SIFT, PolyPhen-2) predict that this variant is tolerated. However, due to limited information, the clinical significance of this variant is uncertain at this time. REFERENCES Shindo K et al. Deleterious Germline Mutations in Patients With Apparently Sporadic Pancreatic Adenocarcinoma. J Clin Oncol. 2017 Oct 20;35(30):3382-3390.

Counsyl
Classification: Uncertain significance for Lynch syndrome 5. Last evaluated: 2018-04-12. Review status: no assertion criteria provided. Collection method: clinical testing. Allele origin: unknown. Not counted in ClinVar's aggregate classification.

ITMI
No classification provided. Condition: AllHighlyPenetrant. Last evaluated: 2013-09-19. Review status: no classification provided. Collection method: reference population. Allele origin: germline. Not counted in ClinVar's aggregate classification.
Comment: Please see associated publication for description of ethnicities

Literature cited by the submitters: PubMed 28767289 (cited by 6 submitters); PubMed 29596542 (cited by 3 submitters); PubMed 27363726 (cited by Myriad Genetics, Inc.); PubMed 24728327 (cited by 4 submitters); PubMed 32659497 (cited by 3 submitters); PubMed 33471991 (cited by Quest Diagnostics Nichols Institute San Juan Capistrano); PubMed 23621914 (cited by Quest Diagnostics Nichols Institute San Juan Capistrano and Women's Health and Genetics/Laboratory Corporation of America, LabCorp).